The following is an entry in ClinVar:

ClinVar aggregate classification (germline): Uncertain significance (1 of 4 stars; one submission).

Conditions:
Inborn genetic diseases. Identifiers: MedGen C0950123, MeSH D030342.

Submission:

Ambry Genetics
Classification: Uncertain significance for Inborn genetic diseases. Last evaluated: 2025-12-20. Review status: criteria provided, single submitter. Criteria: Ambry Variant Classification Scheme 2023. Collection method: clinical testing. Allele origin: germline.
Comment: The p.E494D variant (also known as c.1482G>T), located in coding exon 8 of the PIK3CA gene, results from a G to T substitution at nucleotide position 1482. The glutamic acid at codon 494 is replaced by aspartic acid, an amino acid with highly similar properties. This amino acid position is conserved. In addition, this alteration is predicted to be tolerated by in silico analysis. Based on the available evidence, the clinical significance of this variant remains unclear.

NM_006218.4(PIK3CA):c.1482G>T (p.Glu494Asp)

Gene: PIK3CA (phosphatidylinositol-4,5-bisphosphate 3-kinase catalytic subunit alpha; plus strand). Cytogenetic location: 3q26.32.
Variant type: single nucleotide variant.
Coding change: c.1482G>T on transcript NM_006218.4 (MANE Select); coding-DNA position 1482, G replaced by T.
Protein change: p.Glu494Asp; replaces glutamic acid 494 with aspartic acid.
Molecular consequence: missense variant.
Genome position (GRCh38, 1-based): chr3:179,210,508, G>T. VCF-style: chr3-179210508-G-T. GRCh37 (hg19) VCF-style: chr3-178928296-G-T.
Other names: short protein forms E494D.
Identifiers: ClinVar variation 4843780 (VCV004843780.1).